The following is an entry in ClinVar:

NM_020928.2(ZSWIM6):c.2986G>A (p.Ala996Thr)

Gene: ZSWIM6 (zinc finger SWIM-type containing 6; plus strand). Cytogenetic location: 5q12.1.
Variant type: single nucleotide variant.
Coding change: c.2986G>A on transcript NM_020928.2 (MANE Select); coding-DNA position 2986, G replaced by A.
Protein change: p.Ala996Thr; replaces alanine 996 with threonine.
Molecular consequence: missense variant.
Genome position (GRCh38, 1-based): chr5:61,543,655, G>A. VCF-style: chr5-61543655-G-A. GRCh37 (hg19) VCF-style: chr5-60839482-G-A.
Other names: short protein forms A996T.
Identifiers: ClinVar variation 1472788 (VCV001472788.8), dbSNP rs1250843632, ClinGen allele CA359946605.

ClinVar aggregate classification (germline): Uncertain significance (1 of 4 stars; one submission).

Allele frequency attached by ClinVar (database versions not stated): gnomAD exomes below 0.00001 and 0.00001.
gnomAD v4.1: 1 of 1,551,724 alleles (0.000064%); highest among the groups gnomAD compares: Admixed American, 0.002%; no homozygotes.

Submission:

Labcorp Genetics (formerly Invitae), Labcorp
Classification: Uncertain significance. Last evaluated: 2025-03-05. Review status: criteria provided, single submitter. Criteria: Invitae Variant Classification Sherloc (09022015). Collection method: clinical testing. Allele origin: germline.
Comment: This sequence change replaces alanine, which is neutral and non-polar, with threonine, which is neutral and polar, at codon 996 of the ZSWIM6 protein (p.Ala996Thr). The frequency data for this variant in the population databases is considered unreliable, as metrics indicate poor data quality at this position in the gnomAD database. This variant has not been reported in the literature in individuals affected with ZSWIM6-related conditions. ClinVar contains an entry for this variant (Variation ID: 1472788). Invitae Evidence Modeling of protein sequence and biophysical properties (such as structural, functional, and spatial information, amino acid conservation, physicochemical variation, residue mobility, and thermodynamic stability) indicates that this missense variant is not expected to disrupt ZSWIM6 protein function with a negative predictive value of 80%. In summary, the available evidence is currently insufficient to determine the role of this variant in disease. Therefore, it has been classified as a Variant of Uncertain Significance.